The following is an entry in ClinVar:

NM_000687.4(AHCY):c.731T>C (p.Ile244Thr)

Gene: AHCY (adenosylhomocysteinase; minus strand). Cytogenetic location: 20q11.22.
Variant type: single nucleotide variant.
Coding change: c.731T>C on transcript NM_000687.4 (MANE Select); coding-DNA position 731, T replaced by C.
Protein change: p.Ile244Thr; replaces isoleucine 244 with threonine.
Molecular consequence: missense variant.
Genome position (GRCh38, 1-based): chr20:34,290,766, A>G on the plus strand (T>C on the coding strand, the complement: AHCY is on the minus strand). VCF-style: chr20-34290766-A-G. GRCh37 (hg19) VCF-style: chr20-32878572-A-G.
Other names: c.647T>C, p.Ile216Thr (NM_001161766.2, NM_001322084.2, NM_001322085.2); c.737T>C, p.Ile246Thr (NM_001322086.2); c.731T>C, p.Ile244Thr (NM_001362750.2); short protein forms I244T, I216T, I246T.
Identifiers: ClinVar variation 1934738 (VCV001934738.5), dbSNP rs372514895, ClinGen allele CA9820909.

ClinVar aggregate classification (germline): Uncertain significance (1 of 4 stars; one submission).

Conditions:
Hypermethioninemia with deficiency of S-adenosylhomocysteine hydrolase. Identifiers: Orphanet 88618, MedGen C3151058, MONDO:0013404, OMIM 613752.

Allele frequency attached by ClinVar (database versions not stated): ExAC 0.00001; gnomAD exomes 0.00001; ESP Exome Variant Server 0.00008.
gnomAD v4.1: 4 of 1,613,546 alleles (0.00025%); highest among the groups gnomAD compares: African/African-American, 0.004%; no homozygotes.

Submission:

Labcorp Genetics (formerly Invitae), Labcorp
Classification: Uncertain significance for Hypermethioninemia with deficiency of S-adenosylhomocysteine hydrolase. Last evaluated: 2022-02-20. Review status: criteria provided, single submitter. Criteria: Invitae Variant Classification Sherloc (09022015). Collection method: clinical testing. Allele origin: germline.
Comment: In summary, the available evidence is currently insufficient to determine the role of this variant in disease. Therefore, it has been classified as a Variant of Uncertain Significance. Algorithms developed to predict the effect of missense changes on protein structure and function are either unavailable or do not agree on the potential impact of this missense change (SIFT: "Not Available"; PolyPhen-2: "Benign"; Align-GVGD: "Not Available"). This variant has not been reported in the literature in individuals affected with AHCY-related conditions. This variant is present in population databases (rs372514895, gnomAD 0.007%). This sequence change replaces isoleucine, which is neutral and non-polar, with threonine, which is neutral and polar, at codon 244 of the AHCY protein (p.Ile244Thr).